The following is an entry in ClinVar:

ClinVar aggregate classification (germline): Uncertain significance (1 of 4 stars; one submission).

Conditions:
Mitochondrial complex II deficiency, nuclear type 1. Also called: SUCCINATE CoQ REDUCTASE DEFICIENCY. Identifiers: Orphanet 3208, MedGen C5700310, MONDO:0100294, OMIM 252011.
Pheochromocytoma/paraganglioma syndrome 5. Also called: Paragangliomas 5; SDHA-Related Hereditary Paraganglioma-Pheochromocytoma Syndrome. Identifiers: Orphanet 29072, MedGen C3279992, MONDO:0013602, OMIM 614165.

Submission:

Labcorp Genetics (formerly Invitae), Labcorp
Classification: Uncertain significance for Pheochromocytoma/paraganglioma syndrome 5; Mitochondrial complex II deficiency, nuclear type 1. Last evaluated: 2023-06-19. Review status: criteria provided, single submitter. Criteria: Invitae Variant Classification Sherloc (09022015). Collection method: clinical testing. Allele origin: germline.
Comment: This sequence change falls in intron 13 of the SDHA gene. It does not directly change the encoded amino acid sequence of the SDHA protein. It affects a nucleotide within the consensus splice site. This variant is not present in population databases (gnomAD no frequency). This variant has not been reported in the literature in individuals affected with SDHA-related conditions. Variants that disrupt the consensus splice site are a relatively common cause of aberrant splicing (PMID: 17576681, 9536098). Algorithms developed to predict the effect of sequence changes on RNA splicing suggest that this variant is not likely to affect RNA splicing. In summary, the available evidence is currently insufficient to determine the role of this variant in disease. Therefore, it has been classified as a Variant of Uncertain Significance.

Literature cited by the submitters: PubMed 17576681; PubMed 9536098.

NM_004168.4(SDHA):c.1794+4G>A

Gene: SDHA (succinate dehydrogenase complex flavoprotein subunit A; plus strand). Cytogenetic location: 5p15.33.
Variant type: single nucleotide variant.
Coding change: c.1794+4G>A on transcript NM_004168.4 (MANE Select); 4 bases into the intron after coding-DNA position 1794, G replaced by A.
Molecular consequence: intron variant.
Genome position (GRCh38, 1-based): chr5:251,472, G>A. VCF-style: chr5-251472-G-A. GRCh37 (hg19) VCF-style: chr5-251587-G-A.
Other names: c.1552-2921G>A (NM_001330758.2); c.1650+4G>A (NM_001294332.2).
Identifiers: ClinVar variation 2945192 (VCV002945192.3), dbSNP rs746391130, ClinGen allele CA2740091640.